The following is an entry in ClinVar:

ClinVar aggregate classification (germline): Uncertain significance (1 of 4 stars; one submission).

Conditions:
Hereditary cancer-predisposing syndrome. Also called: Hereditary Cancer Syndrome; Tumor predisposition; Hereditary neoplastic syndrome; Neoplastic Syndromes, Hereditary. Identifiers: Orphanet 140162, MedGen C0027672, MeSH D009386, MONDO:0015356.

Submission:

Ambry Genetics
Classification: Uncertain significance for Hereditary cancer-predisposing syndrome. Last evaluated: 2024-06-24. Review status: criteria provided, single submitter. Criteria: Ambry Variant Classification Scheme 2023. Collection method: clinical testing. Allele origin: germline.
Comment: The c.2087_2108del22insT variant (also known as p.Q696_R703delinsL), located in coding exon 7 of the AXIN2 gene, results from an in-frame deletion of 22 nucleotides (AGCTGGAGGAGGCCTGTCGCAG) and insertion of T at nucleotide positions 2087 to 2108. This results in the deletion of 8 amino acids (QLEEACRR) and the insertion of a leucine residue at codons 696 to 703. This amino acid region is highly conserved in available vertebrate species. In addition, this alteration is predicted to be deleterious by in silico analysis (Choi Y et al. PLoS ONE. 2012; 7(10):e46688). Based on the available evidence, the clinical significance of this variant remains unclear.

NM_004655.4(AXIN2):c.2087_2108delinsT (p.Gln696_Arg703delinsLeu)

Gene: AXIN2 (axin 2; minus strand). Cytogenetic location: 17q24.1.
Variant type: Indel.
Coding change: c.2087_2108delinsT on transcript NM_004655.4 (MANE Select); coding-DNA positions 2087 to 2108, AGCTGGAGGAGGCCTGTCGCAG replaced by T.
Protein change: p.Gln696_Arg703delinsLeu.
Molecular consequence: inframe indel.
Genome position (GRCh38, 1-based): chr17:65,536,353-65,536,374, CTGCGACAGGCCTCCTCCAGCT replaced by A on the plus strand (AGCTGGAGGAGGCCTGTCGCAG replaced by T on the coding strand, the reverse complement: AXIN2 is on the minus strand). VCF-style: chr17-65536353-CTGCGACAGGCCTCCTCCAGCT-A. GRCh37 (hg19) VCF-style: chr17-63532471-CTGCGACAGGCCTCCTCCAGCT-A.
Other names: c.1892_1913delinsT, p.Gln631_Arg638delinsLeu (NM_001363813.1).
Identifiers: ClinVar variation 3258241 (VCV003258241.1).